The following is an entry in ClinVar:

NM_138426.4(GLCCI1):c.299C>T (p.Ala100Val)

Genes: GLCCI1 (glucocorticoid induced 1; plus strand), LOC129997983 (ATAC-STARR-seq lymphoblastoid silent region 17969; plus strand). Cytogenetic location: 7p21.3.
Variant type: single nucleotide variant.
Coding change: c.299C>T on transcript NM_138426.4 (MANE Select); coding-DNA position 299, C replaced by T.
Protein change: p.Ala100Val; replaces alanine 100 with valine.
Molecular consequence: missense variant.
Genome position (GRCh38, 1-based): chr7:7,969,649, C>T. VCF-style: chr7-7969649-C-T. GRCh37 (hg19) VCF-style: chr7-8009280-C-T.
Other names: short protein forms A100V.
Identifiers: ClinVar variation 2657321 (VCV002657321.24), dbSNP rs545986371, ClinGen allele CA4161312.

ClinVar aggregate classification (germline): Likely benign (1 of 4 stars; one submission).

Allele frequency attached by ClinVar (database versions not stated): 1000 Genomes Project 0.00180; 1000 Genomes Project 30x 0.00328; TOPMed 0.00420; gnomAD 0.00421; gnomAD exomes 0.00515.

Submission:

CeGaT Center for Human Genetics Tuebingen
Classification: Likely benign. Last evaluated: 2022-06-01. Review status: criteria provided, single submitter. Criteria: CeGaT Center For Human Genetics Tuebingen Variant Classification Criteria Version 2. Collection method: clinical testing. Allele origin: germline. Affected: yes. Observed: 1 variant allele.
Comment: GLCCI1: BP2